The following is an entry in ClinVar:

ClinVar aggregate classification (germline): Uncertain significance. Review status: reviewed by expert panel (3 of 4 stars). 6 submissions from 5 submitters: Uncertain significance (1). 5 of the submissions do not count toward it. Last evaluated 2026-10-27.

Conditions:
Glaucoma 3A. Also called: Glaucoma 3, primary congenital, A. Identifiers: Orphanet 98976, Orphanet 98977, MedGen C1856439, MONDO:0009277, OMIM 231300.
Glaucoma 3, primary infantile, B. Also called: GLC3B; GLAUCOMA, PRIMARY CONGENITAL, TYPE B; GLC3 type B; Primary congenital glaucoma type 3B; Glaucoma primary congenita type 3B. Identifiers: Orphanet 98976, MedGen C1832977, MONDO:0010968, OMIM 600975.
Anterior segment dysgenesis 6 (ASGD6). Also called: Anterior segment dysgenesis 6, multiple subtypes. Identifiers: MedGen C4310623, MONDO:0015016, OMIM 617315.
Irido-corneo-trabecular dysgenesis (ASGD5). Also called: ANTERIOR SEGMENT DYSGENESIS 5. Identifiers: Orphanet 708, MedGen C0344559, MONDO:0011414, OMIM 604229, HP:0000659.
Congenital glaucoma. Identifiers: MedGen C0020302, MONDO:0020366.
CYP1B1-related glaucoma with or without anterior segment dysgenesis. Identifiers: MedGen CN375931, MONDO:0800472.

Allele frequency attached by ClinVar (database versions not stated): gnomAD 0.00007 and 0.00009; gnomAD exomes 0.00007 and 0.00011; TOPMed 0.00008; ExAC 0.00009; ESP Exome Variant Server 0.00015.
gnomAD v4.1: 111 of 1,612,668 alleles (0.0069%); highest among the groups gnomAD compares: Middle Eastern, 0.082%; 1 homozygote.

Submissions (6):

ClinGen Glaucoma Variant Curation Expert Panel
Classification: Uncertain significance for CYP1B1-related glaucoma with or without anterior segment dysgenesis. Last evaluated: 2026-10-27. Review status: reviewed by expert panel. Criteria: ClinGen Glaucoma ACMG Specifications CYP1B1 V2.0. Collection method: curation. Allele origin: germline. Inheritance: Autosomal recessive inheritance.
Comment: The c.701C>T variant in CYP1B1 is a missense variant predicted to cause substitution of Threonine by Methionine at amino acid 234 (p.Thr234Met). The highest minor allele frequency of this variant was in the Middle Eastern genetic ancestry group of gnomAD (v4.1) = 0.0008221 (5 alleles out of 6,082), which did not meet the PM2_Supporting allele frequency threshold (≤ 0.0005) or the BS1 allele frequency threshold (≥ 0.01). The REVEL score = 0.774, which was within the 0.773-0.931 range for PP3_Moderate, predicting a damaging effect on CYP1B1 function. There was no functional evidence predicting a damaging or benign impact of this variant on CYP1B1 function. This variant has not been identified as homozygous or compound heterozygous with another variant in CYP1B1, therefore PM3 was not applied. In summary, this variant met the criteria to receive a score of 2 and to be classified as a variant of uncertain significance (uncertain significance classification range -1 to 5, adapted from PMID: 32720330) for CYP1B1-related glaucoma with or without anterior segment dysgenesis (ASD) based on the ACMG/AMP criteria met, as specified by the ClinGen Glaucoma VCEP (v2.0, 16.07.2026): PP3_Moderate.

Labcorp Genetics (formerly Invitae), Labcorp
Classification: Likely benign for Congenital glaucoma. Last evaluated: 2026-01-25. Review status: criteria provided, single submitter. Criteria: Invitae Variant Classification Sherloc (09022015). Collection method: clinical testing. Allele origin: germline. Not counted in ClinVar's aggregate classification.

Fulgent Genetics
Classification: Uncertain significance for Glaucoma 3A; Glaucoma 3, primary infantile, B; Anterior segment dysgenesis 6. Last evaluated: 2022-01-21. Review status: criteria provided, single submitter. Criteria: ACMG Guidelines, 2015. Collection method: clinical testing. Allele origin: unknown. Not counted in ClinVar's aggregate classification.

Women's Health and Genetics/Laboratory Corporation of America, LabCorp
Classification: Uncertain significance. Last evaluated: 2021-12-07. Review status: criteria provided, single submitter. Criteria: LabCorp Variant Classification Summary - May 2015. Collection method: clinical testing. Allele origin: germline. Not counted in ClinVar's aggregate classification.
Comment: Variant summary: CYP1B1 c.701C>T (p.Thr234Met) results in a non-conservative amino acid change in the encoded protein sequence. Four of five in-silico tools predict a damaging effect of the variant on protein function. The variant allele was found at a frequency of 0.00011 in 245132 control chromosomes, predominantly at a frequency of 0.00039 within the South Asian subpopulation in the gnomAD database, including 1 homozygote. This frequency is somewhat lower than the maximum expected for a pathogenic variant in CYP1B1 causing Primary Congenital Glaucoma (0.0043), allowing no clear conclusions about variant significance. This report does not provide unequivocal conclusions about association of the variant with Primary Congenital Glaucoma. To our knowledge, no experimental evidence demonstrating an impact on protein function has been reported. One clinical diagnostic laboratory has submitted clinical-significance assessments for this variant to ClinVar after 2014, and classified the variant as uncertain significance. Based on the evidence outlined above, the variant was classified as uncertain significance.

Illumina Laboratory Services, Illumina
Classification: Uncertain significance for Irido-corneo-trabecular dysgenesis. Last evaluated: 2017-04-27. Review status: criteria provided, single submitter. Criteria: ICSL Variant Classification Criteria 13 December 2019. Collection method: clinical testing. Allele origin: germline. Not counted in ClinVar's aggregate classification.
Comment: This variant was observed as part of a predisposition screen in an ostensibly healthy population. A literature search was performed for the gene, cDNA change, and amino acid change (where applicable). Publications were found based on this search. However, the evidence from the literature, in combination with allele frequency data from public databases where available, was not sufficient to rule this variant in or out of causing disease. Therefore, this variant is classified as a variant of unknown significance.

Illumina Laboratory Services, Illumina
Classification: Uncertain significance for Glaucoma 3A. Last evaluated: 2017-04-27. Review status: criteria provided, single submitter. Criteria: ICSL Variant Classification Criteria 13 December 2019. Collection method: clinical testing. Allele origin: germline. Not counted in ClinVar's aggregate classification.
Comment: the same text as in the submission from Illumina Laboratory Services, Illumina above.

Literature cited by the submitters: PubMed 25091052 (cited by Women's Health and Genetics/Laboratory Corporation of America, LabCorp and Illumina Laboratory Services, Illumina); PubMed 25646030 (cited by Women's Health and Genetics/Laboratory Corporation of America, LabCorp and Illumina Laboratory Services, Illumina).

NM_000104.4(CYP1B1):c.701C>T (p.Thr234Met)

Gene: CYP1B1 (cytochrome P450 family 1 subfamily B member 1; minus strand). Cytogenetic location: 2p22.2.
Variant type: single nucleotide variant.
Coding change: c.701C>T on transcript NM_000104.4 (MANE Select); coding-DNA position 701, C replaced by T.
Protein change: p.Thr234Met; replaces threonine 234 with methionine.
Molecular consequence: missense variant.
Genome position (GRCh38, 1-based): chr2:38,074,688, G>A on the plus strand (C>T on the coding strand, the complement: CYP1B1 is on the minus strand). VCF-style: chr2-38074688-G-A. GRCh37 (hg19) VCF-style: chr2-38301831-G-A.
Other names: short protein forms T234M.
Identifiers: ClinVar variation 897191 (VCV000897191.9), dbSNP rs375391843, ClinGen allele CA1619983.